The following is an entry in ClinVar:

ClinVar aggregate classification (germline): Uncertain significance (0 of 4 stars; one submission).

Conditions:
CYP7B1-related disorder. Also called: CYP7B1-related condition.

gnomAD v4.1: 1 of 1,613,952 alleles (0.000062%); highest among the groups gnomAD compares: African/African-American, 0.0013%; no homozygotes.

Submission:

PreventionGenetics, part of Exact Sciences
Classification: Uncertain significance for CYP7B1-related condition. Last evaluated: 2024-05-14. Review status: no assertion criteria provided. Collection method: clinical testing. Allele origin: germline.
Comment: The CYP7B1 c.1225G>A variant is predicted to result in the amino acid substitution p.Ala409Thr. To our knowledge, this variant has not been reported in the literature or in a large population database, indicating this variant is rare. At this time, the clinical significance of this variant is uncertain due to the absence of conclusive functional and genetic evidence.

NM_004820.5(CYP7B1):c.1225G>A (p.Ala409Thr)

Gene: CYP7B1 (cytochrome P450 family 7 subfamily B member 1; minus strand). Cytogenetic location: 8q12.3.
Variant type: single nucleotide variant.
Coding change: c.1225G>A on transcript NM_004820.5 (MANE Select); coding-DNA position 1225, G replaced by A.
Protein change: p.Ala409Thr; replaces alanine 409 with threonine.
Molecular consequence: missense variant.
Genome position (GRCh38, 1-based): chr8:64,604,690, C>T on the plus strand (G>A on the coding strand, the complement: CYP7B1 is on the minus strand). VCF-style: chr8-64604690-C-T. GRCh37 (hg19) VCF-style: chr8-65517247-C-T.
Other names: c.1225G>A, p.Ala409Thr (NM_001324112.2); short protein forms A409T.
Identifiers: ClinVar variation 3344346 (VCV003344346.1).
Genomic context (GRCh38, chr8:64,604,690, plus strand): 5'-ATGTGCCCACAGGATCTAAGAAGTAGCAATCATAGGCTTGATGTTTACTTACCTCTGGAG[C>T]TTCAAAGATTTCAGGGTCACCATGTAGGACTGGAGGAAAGATGGCTACCAAGTCTCCCTT-3'
Protein context (NP_004811.1, residues 399-419): VLHGDPEIFE[Ala409Thr]PEEFRYDRFI